The following is an entry in ClinVar:

ClinVar aggregate classification (germline): Pathogenic/Likely pathogenic. Review status: criteria provided, multiple submitters, no conflicts (2 of 4 stars). 3 submissions from 3 submitters: Pathogenic (2); Likely pathogenic (1). Last evaluated 2026-04-30.

Conditions:
Febrile seizures, familial, 4 (FEB4). Also called: CONVULSIONS, FAMILIAL FEBRILE, 4. Identifiers: MedGen C1858493, MONDO:0011443, OMIM 604352.
Usher syndrome type 2C. Also called: Usher syndrome, type 2B; USHER SYNDROME, TYPE IIC. Identifiers: Orphanet 231178, Orphanet 886, MedGen C2931213, MONDO:0011558, OMIM 605472.

Submissions (3):

Laboratory of Molecular, Cellular and Translation Genetics in Otolaryngology/ Lim32-hcfmusp, University of Sao Paulo School of Medicine Clinics Hospital
Classification: Likely pathogenic for Usher syndrome type 2C. Last evaluated: 2026-04-30. Review status: criteria provided, single submitter. Criteria: ACMG Guidelines, 2015. Collection method: research. Allele origin: germline. Affected: yes.
Comment: NM_032119.4: c.2612delG: p.(Gly871Glufs*8). This variant has been classified as likely pathogenic. It is absent from population databases (PM2) and is a frameshift (loss-of-function) variant in a gene in which loss of function is an established disease mechanism (PVS1_strong). Although this variant is novel, previously reported pathogenic variants in this gene are predominantly associated with autosomal recessive inheritance. As no second pathogenic variant was identified, the available evidence is insufficient to establish a causal role for this variant in the proband’s phenotype as described in PMID: 42233699.

Labcorp Genetics (formerly Invitae), Labcorp
Classification: Pathogenic. Last evaluated: 2024-08-15. Review status: criteria provided, single submitter. Criteria: Invitae Variant Classification Sherloc (09022015). Collection method: clinical testing. Allele origin: germline.
Comment: This sequence change creates a premature translational stop signal (p.Gly871Glufs*8) in the ADGRV1 gene. It is expected to result in an absent or disrupted protein product. Loss-of-function variants in ADGRV1 are known to be pathogenic (PMID: 19357117, 22135276, 22147658, 26226137, 30718709, 31047384, 32467589). This variant is present in population databases (no rsID available, gnomAD 0.003%). This premature translational stop signal has been observed in individual(s) with Usher syndrome type 2 (PMID: 25404053). ClinVar contains an entry for this variant (Variation ID: 1075638). For these reasons, this variant has been classified as Pathogenic.

Fulgent Genetics
Classification: Pathogenic for Febrile seizures, familial, 4; Usher syndrome type 2C. Last evaluated: 2024-06-15. Review status: criteria provided, single submitter. Criteria: ACMG Guidelines, 2015. Collection method: clinical testing. Allele origin: germline.

Literature cited by the submitters: PubMed 42233699 (cited by Laboratory of Molecular, Cellular and Translation Genetics in Otolaryngology/ Lim32-hcfmusp, University of Sao Paulo School of Medicine Clinics Hospital); PubMed 19357117 (cited by Labcorp Genetics (formerly Invitae), Labcorp); PubMed 22135276 (cited by Labcorp Genetics (formerly Invitae), Labcorp); PubMed 22147658 (cited by Labcorp Genetics (formerly Invitae), Labcorp); PubMed 26226137 (cited by Labcorp Genetics (formerly Invitae), Labcorp); PubMed 30718709 (cited by Labcorp Genetics (formerly Invitae), Labcorp); PubMed 31047384 (cited by Labcorp Genetics (formerly Invitae), Labcorp); PubMed 32467589 (cited by Labcorp Genetics (formerly Invitae), Labcorp); PubMed 25404053 (cited by Labcorp Genetics (formerly Invitae), Labcorp).

NM_032119.4(ADGRV1):c.2612del (p.Gly871fs)

Gene: ADGRV1 (adhesion G protein-coupled receptor V1; plus strand). Cytogenetic location: 5q14.3.
Variant type: Deletion.
Coding change: c.2612del on transcript NM_032119.4 (MANE Select); coding-DNA position 2612, one base deleted (G; older notation c.2612delG).
Protein change: p.Gly871fs; shifts the reading frame from glycine 871.
Molecular consequence: frameshift variant. On other transcripts: non-coding transcript variant (1).
Genome position (GRCh38, 1-based): chr5:90,643,861, G deleted; the last of 3 consecutive G bases (chr5:90,643,859-90,643,861); deleting any one gives the same sequence. VCF-style (leftmost placement, unchanged base first): chr5-90643858-TG-T. GRCh37 (hg19) VCF-style: chr5-89939675-TG-T.
Other names: c.2612delG (NM_032119.4); short protein forms G871fs.
Identifiers: ClinVar variation 1075638 (VCV001075638.12), dbSNP rs983340336, ClinGen allele CA121834745.